The following is an entry in ClinVar:

NC_000011.9:g.(?_108141781)_(108158452_?)del

Gene: ATM (ATM serine/threonine kinase; plus strand). Cytogenetic location: 11q22.3.
Variant type: Deletion.
Identifiers: ClinVar variation 1073590 (VCV001073590.6).

ClinVar aggregate classification (germline): Pathogenic (1 of 4 stars; one submission).

Conditions:
Ataxia-telangiectasia syndrome (AT). Also called: Cerebello-oculocutaneous telangiectasia; Immunodeficiency with ataxia telangiectasia; ATAXIA-TELANGIECTASIA, FRESNO VARIANT; Ataxia-telangiectasia, complementation group D; Ataxia telangiectasia (A-T); LOUIS-BAR SYNDROME. Identifiers: Orphanet 100, MedGen C0004135, MONDO:0008840, OMIM 208900.

Submission:

Labcorp Genetics (formerly Invitae), Labcorp
Classification: Pathogenic for Ataxia-telangiectasia syndrome. Last evaluated: 2022-02-19. Review status: criteria provided, single submitter. Criteria: Invitae Variant Classification Sherloc (09022015). Collection method: clinical testing. Allele origin: germline.
Comment: For these reasons, this variant has been classified as Pathogenic. This variant has not been reported in the literature in individuals affected with ATM-related conditions. This variant is a gross deletion of the genomic region encompassing exon(s) 19-27 of the ATM gene. This deletion is out-of-frame, and is expected to create a premature termination codon and result in an absent or disrupted protein product. Loss-of-function variants in ATM are known to be pathogenic (PMID: 23807571, 25614872).

Literature cited by the submitters: PubMed 23807571; PubMed 25614872.